The following is an entry in ClinVar:

NM_003742.4(ABCB11):c.650T>G (p.Met217Arg)

Gene: ABCB11 (ATP binding cassette subfamily B member 11; minus strand). Cytogenetic location: 2q31.1.
Variant type: single nucleotide variant.
Coding change: c.650T>G on transcript NM_003742.4 (MANE Select); coding-DNA position 650, T replaced by G.
Protein change: p.Met217Arg; replaces methionine 217 with arginine.
Molecular consequence: missense variant.
Genome position (GRCh38, 1-based): chr2:168,993,844, A>C on the plus strand (T>G on the coding strand, the complement: ABCB11 is on the minus strand). VCF-style: chr2-168993844-A-C. GRCh37 (hg19) VCF-style: chr2-169850354-A-C.
Other names: short protein forms M217R.
Identifiers: ClinVar variation 4846101 (VCV004846101.1).

ClinVar aggregate classification (germline): Uncertain significance (1 of 4 stars; one submission).

Conditions:
Familial intrahepatic cholestasis. Identifiers: Orphanet 284385, MedGen CN296401, MONDO:0017290.

gnomAD v4.1: 5 of 1,611,448 alleles (0.00031%); highest among the groups gnomAD compares: Non-Finnish European, 0.00042%; no homozygotes.

Submission:

Genomenon, Inc
Classification: Uncertain significance for Familial intrahepatic cholestasis. Last evaluated: 2026-04-14. Review status: criteria provided, single submitter. Criteria: Genomenon Sequence Variant Interpretation Standards - Updated. Collection method: curation. Allele origin: germline. Affected: yes.
Comment: ABCB11 p.Met217Arg (c.650T>G) is a missense variant that changes the amino acid at residue 217 from Methionine to Arginine. This variant has been observed in at least one proband with an ABCB11-related disorder (PMID:37471416;28733223). It is absent or not present at a significant frequency in gnomAD. In silico models predict that this variant is possibly or probably damaging. In conclusion, we classify ABCB11 p.Met217Arg (c.650T>G) as a variant of uncertain significance.

Literature cited by the submitters: PubMed 37471416; PubMed 28733223.